The following is an entry in ClinVar:

ClinVar aggregate classification (germline): Uncertain significance (1 of 4 stars; one submission).

Submission:

Labcorp Genetics (formerly Invitae), Labcorp
Classification: Uncertain significance. Last evaluated: 2022-03-29. Review status: criteria provided, single submitter. Criteria: Invitae Variant Classification Sherloc (09022015). Collection method: clinical testing. Allele origin: germline.
Comment: This variant has not been reported in the literature in individuals affected with AGBL5-related conditions. In summary, the available evidence is currently insufficient to determine the role of this variant in disease. Therefore, it has been classified as a Variant of Uncertain Significance. Variants that disrupt the consensus splice site are a relatively common cause of aberrant splicing (PMID: 17576681, 9536098). Algorithms developed to predict the effect of sequence changes on RNA splicing suggest that this variant may disrupt the consensus splice site. This variant is not present in population databases (gnomAD no frequency). This sequence change falls in intron 13 of the AGBL5 gene. It does not directly change the encoded amino acid sequence of the AGBL5 protein. It affects a nucleotide within the consensus splice site.

Literature cited by the submitters: PubMed 17576681; PubMed 9536098.

NM_021831.6(AGBL5):c.2356-3C>A

Gene: AGBL5 (AGBL carboxypeptidase 5; plus strand). Cytogenetic location: 2p23.3.
Variant type: single nucleotide variant.
Coding change: c.2356-3C>A on transcript NM_021831.6 (MANE Select); 3 bases into the intron before coding-DNA position 2356, C replaced by A.
Molecular consequence: intron variant.
Genome position (GRCh38, 1-based): chr2:27,069,570, C>A. VCF-style: chr2-27069570-C-A. GRCh37 (hg19) VCF-style: chr2-27292438-C-A.
Identifiers: ClinVar variation 2119452 (VCV002119452.4), dbSNP rs2465558486, ClinGen allele CA2580066196.